The following is an entry in ClinVar:

NM_001267550.2(TTN):c.76027A>T (p.Lys25343Ter)

Genes: TTN (titin; minus strand), TTN-AS1 (TTN antisense RNA 1; plus strand). Cytogenetic location: 2q31.2.
Variant type: single nucleotide variant.
Coding change: c.76027A>T on transcript NM_001267550.2 (MANE Select); coding-DNA position 76027, A replaced by T.
Protein change: p.Lys25343Ter; replaces lysine 25343 with a stop codon.
Molecular consequence: nonsense.
Genome position (GRCh38, 1-based): chr2:178,570,105, T>A on the plus strand (A>T on the coding strand, the complement: TTN is on the minus strand). VCF-style: chr2-178570105-T-A. GRCh37 (hg19) VCF-style: chr2-179434832-T-A.
Other names: c.71104A>T, p.Lys23702Ter (NM_001256850.1); c.48832A>T, p.Lys16278Ter (NM_003319.4); c.68323A>T, p.Lys22775Ter (NM_133378.4); c.49207A>T, p.Lys16403Ter (NM_133432.3); c.49408A>T, p.Lys16470Ter (NM_133437.4); short protein forms K16278*, K16403*, K16470*, K22775*, K23702*, K25343*.
Identifiers: ClinVar variation 4871847 (VCV004871847.1).

ClinVar aggregate classification (germline): Likely pathogenic (1 of 4 stars; one submission).

Conditions:
Dilated cardiomyopathy 1G (CMD1G). Identifiers: Orphanet 154, MedGen C1858763, MONDO:0011400, OMIM 604145.

Submission:

KardioGenetik, Herz- und Diabeteszentrum NRW
Classification: Likely pathogenic for Dilated cardiomyopathy 1G. Last evaluated: 2026-05-05. Review status: criteria provided, single submitter. Criteria: ACMG Guidelines, 2015. Collection method: clinical testing. Allele origin: unknown. Affected: yes. Observed: 1 variant allele.
Comment: It is absent from population datasets such as gnomAD, with an allele frequency of zero. The variant is located in the rigid A-band region of titin. The substitution of adenine with thymine at cDNA position 76027 results in the introduction of a premature stop codon. This truncating variant affects all titin isoforms, leading to premature termination of translation and the loss of approximately 30% of the protein. Based on analyses of TTN RNA and TTN expression in left ventricular tissue from patients with dilated cardiomyopathy, it has been shown that truncating TTN variants are stably expressed but form intracellular protein aggregates and are therefore nonfunctional (Fomin et al.). This results in haploinsufficiency, with reduced levels of intact titin in the cell, consistent with the disease mechanism for DCM-causing truncating TTN variants as described by the Clinical Genome Resource (ClinGen). (PVS1, PM2_supporting)